The following is an entry in ClinVar:

NM_000093.5(COL5A1):c.3528+4_3528+7dup

Gene: COL5A1 (collagen type V alpha 1 chain; plus strand). Cytogenetic location: 9q34.3.
Variant type: Duplication.
Coding change: c.3528+4_3528+7dup on transcript NM_000093.5 (MANE Select); bases 4 to 7 of the intron after coding-DNA position 3528, 4 bases duplicated (AGTA; older notation c.3528+4_3528+7dupAGTA).
Molecular consequence: splice donor variant.
Genome position (GRCh38, 1-based): chr9:134,810,312-134,810,315, AGTA duplicated; duplicating any 4 consecutive bases within chr9:134,810,309-134,810,315 gives the same sequence; the c. name uses the placement nearest the transcript's 3' end. VCF-style (leftmost placement, unchanged base first): chr9-134810308-G-GGTAA. GRCh37 (hg19) VCF-style: chr9-137702154-G-GGTAA.
Other names: c.3528+4_3528+7dup (NM_001278074.1).
Identifiers: ClinVar variation 2664076 (VCV002664076.1), dbSNP rs2490814285, ClinGen allele CA2695199437.

ClinVar aggregate classification (germline): Uncertain significance (1 of 4 stars; one submission).

Conditions:
Ehlers-Danlos syndrome, classic type, 1 (EDSCL1). Also called: EHLERS-DANLOS SYNDROME, GRAVIS TYPE; EHLERS-DANLOS SYNDROME, SEVERE CLASSIC TYPE; Ehlers-Danlos syndrome, type 1; Ehlers-Danlos Syndrome, Classic Type, COL5A1-Related; EDS I. Identifiers: MedGen C0268335, MONDO:0019567, OMIM 130000.

Submission:

Center for Human Genetics and Genomic Medicine, Uniklinik Rwth Aachen
Classification: Uncertain significance for Ehlers-Danlos syndrome, classic type, 1. Last evaluated: 2023-08-14. Review status: criteria provided, single submitter. Criteria: ACMG Guidelines, 2015. Collection method: clinical testing. Allele origin: unknown. Inheritance: Autosomal dominant inheritance. Affected: yes. Observed: 1 heterozygote.
Comment: The variant is absent from healthy controls (gnomAD v2.1.1) and has not been reported in COL5A1-related disease. It affectes the consensus splice site. Therefore, this variant has been classified as variant of uncertain significance.